The following is an entry in ClinVar:

ClinVar aggregate classification (germline): Pathogenic. Review status: criteria provided, multiple submitters, no conflicts (2 of 4 stars). 3 submissions from 3 submitters: Pathogenic (2). 1 of the submissions does not count toward it. Last evaluated 2025-10-29.

Conditions:
Retinal dystrophy. Also called: Inherited retinal dystrophy. Identifiers: Orphanet 71862, MedGen C0854723, MeSH D058499, MONDO:0019118, HP:0000556.

Submissions (3):

Labcorp Genetics (formerly Invitae), Labcorp
Classification: Pathogenic. Last evaluated: 2025-10-29. Review status: criteria provided, single submitter. Criteria: Invitae Variant Classification Sherloc (09022015). Collection method: clinical testing. Allele origin: germline.
Comment: This variant, c.6545_6580del, results in the deletion of 12 amino acid(s) of the ABCA4 protein (p.Leu2182_Phe2193del), but otherwise preserves the integrity of the reading frame. This variant is not present in population databases (gnomAD no frequency). This variant has been observed in individual(s) with ABCA4-related conditions (PMID: 9973280, 29555955). This variant is also known as 6543del36. ClinVar contains an entry for this variant (Variation ID: 99467). This variant disrupts a region of the ABCA4 protein in which other variant(s) (p.Phe2188Ser) have been determined to be pathogenic (PMID: 23755871, 26161775, 26780318). This suggests that this is a clinically significant region of the protein, and that variants that disrupt it are likely to be disease-causing. For these reasons, this variant has been classified as Pathogenic.

Institute of Human Genetics, Univ. Regensburg, Univ. Regensburg
Classification: Pathogenic for Retinal dystrophy. Last evaluated: 2007-01-01. Review status: criteria provided, single submitter. Criteria: ACMG Guidelines, 2015. Collection method: clinical testing. Allele origin: germline. Affected: yes.

Retina International
No classification provided. Review status: no classification provided. Collection method: not provided. Allele origin: not provided. Not counted in ClinVar's aggregate classification.

Literature cited by the submitters: PubMed 9973280 (cited by Labcorp Genetics (formerly Invitae), Labcorp and Institute of Human Genetics, Univ. Regensburg, Univ. Regensburg); PubMed 29555955 (cited by Labcorp Genetics (formerly Invitae), Labcorp and Institute of Human Genetics, Univ. Regensburg, Univ. Regensburg); PubMed 23755871 (cited by Labcorp Genetics (formerly Invitae), Labcorp); PubMed 26161775 (cited by Labcorp Genetics (formerly Invitae), Labcorp); PubMed 26780318 (cited by Labcorp Genetics (formerly Invitae), Labcorp); PubMed 32307445 (cited by Institute of Human Genetics, Univ. Regensburg, Univ. Regensburg); PubMed 36460718 (cited by Institute of Human Genetics, Univ. Regensburg, Univ. Regensburg).

NM_000350.3(ABCA4):c.6545_6580del (p.Leu2182_Phe2193del)

Gene: ABCA4 (ATP binding cassette subfamily A member 4; minus strand). Cytogenetic location: 1p22.1.
Variant type: Deletion.
Coding change: c.6545_6580del on transcript NM_000350.3 (MANE Select); coding-DNA positions 6545 to 6580, 36 bases deleted.
Protein change: p.Leu2182_Phe2193del.
Molecular consequence: inframe deletion. On other transcripts: inframe indel (1).
Genome position (GRCh38, 1-based): chr1:93,998,010-93,998,045, 36 bases deleted; deleting any 36 consecutive bases within chr1:93,998,010-93,998,047 gives the same sequence; the c. name uses the placement nearest the transcript's 3' end. GRCh37 (hg19): chr1:94,463,568-94,463,603.
Other names: c.6321_6356del36, p.Leu2108_Phe2119del (NM_001425324.1).
Identifiers: ClinVar variation 99467 (VCV000099467.8), dbSNP rs63749058, ClinGen allele CA227413.